The following is an entry in ClinVar:

NM_144991.3(TSPEAR):c.400C>T (p.Arg134Cys)

Gene: TSPEAR (thrombospondin type laminin G domain and EAR repeats; minus strand). Cytogenetic location: 21q22.3.
Variant type: single nucleotide variant.
Coding change: c.400C>T on transcript NM_144991.3 (MANE Select); coding-DNA position 400, C replaced by T.
Protein change: p.Arg134Cys; replaces arginine 134 with cysteine.
Molecular consequence: missense variant.
Genome position (GRCh38, 1-based): chr21:44,533,827, G>A on the plus strand (C>T on the coding strand, the complement: TSPEAR is on the minus strand). VCF-style: chr21-44533827-G-A. GRCh37 (hg19) VCF-style: chr21-45953710-G-A.
Other names: c.196C>T, p.Arg66Cys (NM_001272037.2); short protein forms R134C, R66C.
Identifiers: ClinVar variation 593583 (VCV000593583.13), dbSNP rs200482585, ClinGen allele CA10057036.

ClinVar aggregate classification (germline): Uncertain significance. Review status: criteria provided, multiple submitters, no conflicts (2 of 4 stars). 4 submissions from 4 submitters: Uncertain significance (4). Last evaluated 2025-03-23.

Conditions:
Inborn genetic diseases. Identifiers: MedGen C0950123, MeSH D030342.

Allele frequency attached by ClinVar (database versions not stated): ExAC 0.00016; gnomAD exomes 0.00019 and 0.00020; 1000 Genomes Project 0.00020; gnomAD 0.00029 and 0.00031; 1000 Genomes Project 30x 0.00031; TOPMed 0.00033.

Submissions (4):

GeneDx
Classification: Uncertain significance. Last evaluated: 2025-03-23. Review status: criteria provided, single submitter. Criteria: GeneDx Variant Classification Process June 2021. Collection method: clinical testing. Allele origin: germline. Affected: yes.
Comment: In silico analysis indicates that this missense variant does not alter protein structure/function; Has not been previously published as pathogenic or benign to our knowledge

Ambry Genetics
Classification: Uncertain significance for Inborn genetic diseases. Last evaluated: 2022-11-21. Review status: criteria provided, single submitter. Criteria: Ambry Variant Classification Scheme 2023. Collection method: clinical testing. Allele origin: germline.

Labcorp Genetics (formerly Invitae), Labcorp
Classification: Uncertain significance. Last evaluated: 2022-06-09. Review status: criteria provided, single submitter. Criteria: Invitae Variant Classification Sherloc (09022015). Collection method: clinical testing. Allele origin: germline.
Comment: This sequence change replaces arginine, which is basic and polar, with cysteine, which is neutral and slightly polar, at codon 134 of the TSPEAR protein (p.Arg134Cys). This variant is present in population databases (rs200482585, gnomAD 0.04%). This variant has not been reported in the literature in individuals affected with TSPEAR-related conditions. ClinVar contains an entry for this variant (Variation ID: 593583). Algorithms developed to predict the effect of missense changes on protein structure and function are either unavailable or do not agree on the potential impact of this missense change (SIFT: "Deleterious"; PolyPhen-2: "Benign"; Align-GVGD: "Class C0"). In summary, the available evidence is currently insufficient to determine the role of this variant in disease. Therefore, it has been classified as a Variant of Uncertain Significance.

Eurofins Ntd Llc (ga)
Classification: Uncertain significance. Last evaluated: 2017-08-29. Review status: criteria provided, single submitter. Criteria: EGL Classification Definitions 2015. Collection method: clinical testing. Allele origin: germline. Observed: 1 variant allele, 1 heterozygote.